The following is an entry in ClinVar:

NM_014244.5(ADAMTS2):c.95C>T (p.Pro32Leu)

Gene: ADAMTS2 (ADAM metallopeptidase with thrombospondin type 1 motif 2; minus strand). Cytogenetic location: 5q35.3.
Variant type: single nucleotide variant.
Coding change: c.95C>T on transcript NM_014244.5 (MANE Select); coding-DNA position 95, C replaced by T.
Protein change: p.Pro32Leu; replaces proline 32 with leucine.
Molecular consequence: missense variant.
Genome position (GRCh38, 1-based): chr5:179,345,234, G>A on the plus strand (C>T on the coding strand, the complement: ADAMTS2 is on the minus strand). VCF-style: chr5-179345234-G-A. GRCh37 (hg19) VCF-style: chr5-178772235-G-A.
Other names: c.95C>T, p.Pro32Leu (NM_021599.4); short protein forms P32L.
Identifiers: ClinVar variation 353146 (VCV000353146.6), dbSNP rs886060498, ClinGen allele CA10621538.

ClinVar aggregate classification (germline): Uncertain significance. Review status: criteria provided, multiple submitters, no conflicts (2 of 4 stars). 2 submissions from 2 submitters: Uncertain significance (2). Last evaluated 2022-07-08.

Conditions:
Ehlers-Danlos syndrome, dermatosparaxis type. Also called: EDS VIIC; Dermatosparaxis; Ehlers-Danlos syndrome, type VII, autosomal recessive. Identifiers: Orphanet 1901, MedGen C2700425, MONDO:0009161, OMIM 225410.

Allele frequency attached by ClinVar (database versions not stated): gnomAD exomes below 0.00001; TOPMed below 0.00001.
gnomAD v4.1: 1 of 1,142,946 alleles (0.000087%); highest among the groups gnomAD compares: Non-Finnish European, 0.00011%; no homozygotes.

Submissions (2):

Labcorp Genetics (formerly Invitae), Labcorp
Classification: Uncertain significance for Ehlers-Danlos syndrome, dermatosparaxis type. Last evaluated: 2022-07-08. Review status: criteria provided, single submitter. Criteria: Invitae Variant Classification Sherloc (09022015). Collection method: clinical testing. Allele origin: germline.
Comment: This sequence change replaces proline, which is neutral and non-polar, with leucine, which is neutral and non-polar, at codon 32 of the ADAMTS2 protein (p.Pro32Leu). This variant is not present in population databases (gnomAD no frequency). This variant has not been reported in the literature in individuals affected with ADAMTS2-related conditions. ClinVar contains an entry for this variant (Variation ID: 353146). Algorithms developed to predict the effect of missense changes on protein structure and function are either unavailable or do not agree on the potential impact of this missense change (SIFT: "Tolerated"; PolyPhen-2: "Not Available"; Align-GVGD: "Class C0"). In summary, the available evidence is currently insufficient to determine the role of this variant in disease. Therefore, it has been classified as a Variant of Uncertain Significance.

Illumina Laboratory Services, Illumina
Classification: Uncertain significance for Ehlers-Danlos syndrome, dermatosparaxis type. Last evaluated: 2018-01-12. Review status: criteria provided, single submitter. Criteria: ICSL Variant Classification Criteria 13 December 2019. Collection method: clinical testing. Allele origin: germline.